The following is an entry in ClinVar:

ClinVar aggregate classification (germline): Conflicting classifications of pathogenicity. Review status: criteria provided, conflicting classifications (1 of 4 stars). 13 submissions from 12 submitters: Likely pathogenic (1); Uncertain significance (10); Likely benign (1). 1 of the submissions does not count toward it. Last evaluated 2026-06-24.

Conditions:
MYBPC3-related disorder. Also called: MYBPC3-related disorders; MYBPC3-related condition; MYBPC3-related disease.
Left ventricular noncompaction 10 (LVNC10). Identifiers: Orphanet 154, Orphanet 54260, MedGen C3715165, MONDO:0014163, OMIM 615396.
Cardiovascular phenotype. Identifiers: MedGen CN230736.
Cardiomyopathy (CMYO). Also called: Cardiomyopathies. Identifiers: Orphanet 167848, MedGen C0878544, MONDO:0004994, HP:0001638. Inheritance: Various modes of inheritance.
Hypertrophic cardiomyopathy 4. Also called: Familial hypertrophic cardiomyopathy 4. Identifiers: MedGen C1861862, MONDO:0007268, OMIM 115197.
Hypertrophic cardiomyopathy. Also called: HYPERTROPHIC MYOCARDIOPATHY. Identifiers: Orphanet 217569, MedGen C0007194, MeSH D002312, MONDO:0005045, HP:0001639.

Allele frequency attached by ClinVar (database versions not stated): ExAC 0.00003; gnomAD 0.00003; gnomAD exomes 0.00004 and 0.00005; TOPMed 0.00005.
gnomAD v4.1: 67 of 1,613,704 alleles (0.0042%); highest among the groups gnomAD compares: Middle Eastern, 0.016%; no homozygotes.

Submissions (13):

PreventionGenetics, part of Exact Sciences
Classification: Uncertain significance for MYBPC3-related condition. Last evaluated: 2026-06-24. Review status: criteria provided, single submitter. Criteria: ACMG Guidelines, 2015. Collection method: clinical testing. Allele origin: germline.
Comment: The MYBPC3 c.1021G>A variant is predicted to result in the amino acid substitution p.Gly341Ser. This variant was reported as uncertain significance in multiple individuals with hypertrophic cardiomyopathy (Table S1A, Walsh et al. 2017. PubMed ID: 27532257; Table S2, Thompson et al. 2021. PubMed ID: 33782553; Table S4, Bourfiss et al. 2022. PubMed ID: 36264615; Table S8, McGurk et al. 2023. PubMed ID: 37652022). This variant is reported in 0.017% of alleles in individuals of Latino descent in gnomAD and has conflicting interpretations regarding its pathogenicity in ClinVar, ranging from uncertain to likely pathogenic (Variation ID: 42499). An alternate missense change at the same amino acid position (p.Gly341Arg) has been reported in individuals with hypertrophic cardiomyopathy (Page et al. 2012. PubMed ID: 22267749; Table S1A, Walsh et al. 2017. PubMed ID: 27532257). At this time, the clinical significance of the c.1021G>A (p.Gly341Ser) variant is uncertain due to the absence of conclusive functional and genetic evidence.

Labcorp Genetics (formerly Invitae), Labcorp
Classification: Likely pathogenic for Hypertrophic cardiomyopathy. Last evaluated: 2026-02-03. Review status: criteria provided, single submitter. Criteria: Invitae Variant Classification Sherloc (09022015). Collection method: clinical testing. Allele origin: germline.
Comment: This sequence change replaces glycine, which is neutral and non-polar, with serine, which is neutral and polar, at codon 341 of the MYBPC3 protein (p.Gly341Ser). This variant is present in population databases (rs397515881, gnomAD 0.02%). This missense change has been observed in individuals with hypertrophic cardiomyopathy (PMID: 25611685, 27532257, 32841044, 33782553, 36264615, 37652022, 38456273; internal data). ClinVar contains an entry for this variant (Variation ID: 42499). An algorithm developed to predict the effect of missense changes on protein structure and function (PolyPhen-2) suggests that this variant is likely to be disruptive. In summary, the currently available evidence indicates that the variant is pathogenic, but additional data are needed to prove that conclusively. Therefore, this variant has been classified as Likely Pathogenic.

Molecular Diagnostic Laboratory for Inherited Cardiovascular Disease, Montreal Heart Institute
Classification: Uncertain significance for Cardiovascular phenotype. Last evaluated: 2025-04-09. Review status: criteria provided, single submitter. Criteria: ACMG Guidelines, 2015. Collection method: clinical testing. Allele origin: germline. Affected: yes.

All of Us Research Program, National Institutes of Health
Classification: Uncertain significance for Hypertrophic cardiomyopathy. Last evaluated: 2024-09-23. Review status: criteria provided, single submitter. Criteria: ACMG Guidelines, 2015. Collection method: clinical testing. Allele origin: germline. Inheritance: Autosomal dominant inheritance. Observed: 21 variant alleles, 21 heterozygotes.
Comment: This missense variant replaces glycine with serine at codon 341 of the MYBPC3 protein. Computational prediction suggests that this variant may have a deleterious impact on protein structure and function (internally defined REVEL score threshold >= 0.7, PMID: 27666373). To our knowledge, functional studies have not been reported for this variant. This variant has been reported in at least 2 individuals affected with hypertrophic cardiomyopathy (PMID: 25611685, 27532257, 32841044). This variant has been identified in 14/280044 chromosomes in the general population by the Genome Aggregation Database (gnomAD). The available evidence is insufficient to determine the role of this variant in disease conclusively. Therefore, this variant is classified as a Variant of Uncertain Significance.

This study involves interpretation of variants in research participants for the purpose of population health screening. Participant phenotype was not available at the time of variant classification. Additional details can be found in publication PMID: 35346344, PMCID: PMC8962531

Color Diagnostics, LLC DBA Color Health
Classification: Uncertain significance for Cardiomyopathy. Last evaluated: 2024-05-29. Review status: criteria provided, single submitter. Criteria: ACMG Guidelines, 2015. Collection method: clinical testing. Allele origin: germline.
Comment: This missense variant replaces glycine with serine at codon 341 of the MYBPC3 protein. Computational prediction tools indicate that this variant has a deleterious impact on protein structure and function. To our knowledge, functional studies have not been reported for this variant. This variant has been reported in at least two individuals affected with hypertrophic cardiomyopathy (PMID: 25611685, 27532257, 32841044). This variant has been identified in 14/280044 chromosomes in the general population by the Genome Aggregation Database (gnomAD). The available evidence is insufficient to determine the role of this variant in disease conclusively. Therefore, this variant is classified as a Variant of Uncertain Significance.

Blueprint Genetics
Classification: Likely benign. Last evaluated: 2024-01-12. Review status: criteria provided, single submitter. Criteria: ACMG Guidelines, 2015. Collection method: clinical testing. Allele origin: germline.

Ambry Genetics
Classification: Uncertain significance for Cardiovascular phenotype. Last evaluated: 2023-09-06. Review status: criteria provided, single submitter. Criteria: Ambry General Variant Classification Scheme_2022. Collection method: clinical testing. Allele origin: germline.
Comment: The p.G341S variant (also known as c.1021G>A), located in coding exon 12 of the MYBPC3 gene, results from a G to A substitution at nucleotide position 1021. The glycine at codon 341 is replaced by serine, an amino acid with similar properties. This alteration has been reported in hypertrophic cardiomyopathy (HCM) cohorts (Page SP et al. Circ Cardiovasc Genet, 2012 Apr;5:156-66; Alfares AA et al. Genet Med, 2015 Nov;17:880-8; Walsh R et al. Genet Med, 2017 02;19:192-203). This amino acid position is highly conserved in available vertebrate species. In addition, the in silico prediction for this alteration is inconclusive. Since supporting evidence is limited at this time, the clinical significance of this alteration remains unclear.

GeneDx
Classification: Uncertain significance. Last evaluated: 2023-07-05. Review status: criteria provided, single submitter. Criteria: GeneDx Variant Classification Process June 2021. Collection method: clinical testing. Allele origin: germline. Affected: yes.
Comment: Identified in patients with HCM in the published literature (Alfares et al., 2015; Walsh et al., 2017; Thompson et al., 2021); In silico analysis supports that this missense variant has a deleterious effect on protein structure/function; This variant is associated with the following publications: (PMID: 27532257, 25611685, 33782553)

CHEO Genetics Diagnostic Laboratory, Children's Hospital of Eastern Ontario
Classification: Uncertain significance for Cardiomyopathy. Last evaluated: 2023-06-01. Review status: criteria provided, single submitter. Criteria: ACMG Guidelines, 2015. Collection method: clinical testing. Allele origin: germline.

Laboratory for Molecular Medicine, Mass General Brigham Personalized Medicine
Classification: Uncertain significance. Last evaluated: 2020-08-04. Review status: criteria provided, single submitter. Criteria: LMM Criteria. Collection method: clinical testing. Allele origin: germline. Observed: 1 variant allele.
Comment: The p.Gly341Ser variant in MYBPC3 has been previously reported in 2 individuals with hypertrophic cardiomyopathy (HCM; Alfares 2015 PMID: 25611685, Walsh 2017 PMID: 27532257, LMM data). This variant has also been reported by other clinical laboratories in ClinVar (Variation ID 42499) and has been identified in 0.017% (6/35298) of Latino chromosomes by gnomAD. Computational prediction tools and conservation analysis suggest that this variant may impact the protein, though this information is not predictive enough to determine pathogenicity. In summary, the clinical significance of the p.Gly341Ser variant is uncertain. ACMG/AMP Criteria applied: PP3, PS4_Supporting.

Illumina Laboratory Services, Illumina
Classification: Uncertain significance for Hypertrophic cardiomyopathy 4. Last evaluated: 2018-11-29. Review status: criteria provided, single submitter. Criteria: ICSL Variant Classification Criteria 13 December 2019. Collection method: clinical testing. Allele origin: germline.

Illumina Laboratory Services, Illumina
Classification: Uncertain significance for Left ventricular noncompaction 10. Last evaluated: 2018-11-29. Review status: criteria provided, single submitter. Criteria: ICSL Variant Classification Criteria 13 December 2019. Collection method: clinical testing. Allele origin: germline.

Zaffran Lab, Genetics of Cardiac Diseases Laboratory, Marseille Medical Genetics
Classification: Uncertain significance for hypertrophic cardiomyopathy. Review status: no assertion criteria provided. Collection method: research. Allele origin: unknown. Affected: yes. Not counted in ClinVar's aggregate classification.

Literature cited by the submitters: PubMed 25611685 (cited by 5 submitters); PubMed 27532257 (cited by 5 submitters); PubMed 32841044 (cited by 3 submitters); PubMed 33782553 (cited by Labcorp Genetics (formerly Invitae), Labcorp); PubMed 36264615 (cited by Labcorp Genetics (formerly Invitae), Labcorp); PubMed 37652022 (cited by Labcorp Genetics (formerly Invitae), Labcorp); PubMed 38456273 (cited by Labcorp Genetics (formerly Invitae), Labcorp); PubMed 22267749 (cited by Ambry Genetics and Laboratory for Molecular Medicine, Mass General Brigham Personalized Medicine).

NM_000256.3(MYBPC3):c.1021G>A (p.Gly341Ser)

Gene: MYBPC3 (myosin binding protein C3; minus strand). Cytogenetic location: 11p11.2.
Variant type: single nucleotide variant.
Coding change: c.1021G>A on transcript NM_000256.3 (MANE Select); coding-DNA position 1021, G replaced by A.
Protein change: p.Gly341Ser; replaces glycine 341 with serine.
Molecular consequence: missense variant.
Genome position (GRCh38, 1-based): chr11:47,346,276, C>T on the plus strand (G>A on the coding strand, the complement: MYBPC3 is on the minus strand). VCF-style: chr11-47346276-C-T. GRCh37 (hg19) VCF-style: chr11-47367827-C-T.
Other names: short protein forms G341S.
Identifiers: ClinVar variation 42499 (VCV000042499.33), dbSNP rs397515881, ClinGen allele CA009692.
Genomic context (GRCh38, chr11:47,346,276, plus strand): 5'-TCTTCTCATCGCGCCTCATGCCCTTGAGCCTCTTTAGCATGCCGCGCAGGTCAGTGACGC[C>T]GTACTGGAAGGCGATGCGCTCGTACTCAGATGGGGGTGCCTGCCGTAGGATCTCCCACAC-3'
Protein context (NP_000247.2, residues 331-351): SEYERIAFQY[Gly341Ser]VTDLRGMLKR